The following is an entry in ClinVar:

ClinVar aggregate classification (germline): Uncertain significance (1 of 4 stars; one submission).

gnomAD v4.1: 144 of 1,613,904 alleles (0.0089%); highest among the groups gnomAD compares: Admixed American, 0.012%; no homozygotes.

Submission:

GeneDx
Classification: Uncertain significance. Last evaluated: 2025-09-28. Review status: criteria provided, single submitter. Criteria: GeneDx Variant Classification Process June 2021. Collection method: clinical testing. Allele origin: germline.
Comment: Has not been previously published as pathogenic or benign to our knowledge; In silico analysis supports that this missense variant has a deleterious effect on protein structure/function

NM_001089.3(ABCA3):c.1457T>A (p.Phe486Tyr)

Gene: ABCA3 (ATP binding cassette subfamily A member 3; minus strand). Cytogenetic location: 16p13.3.
Variant type: single nucleotide variant.
Coding change: c.1457T>A on transcript NM_001089.3 (MANE Select); coding-DNA position 1457, T replaced by A.
Protein change: p.Phe486Tyr; replaces phenylalanine 486 with tyrosine.
Molecular consequence: missense variant.
Genome position (GRCh38, 1-based): chr16:2,303,979, A>T on the plus strand (T>A on the coding strand, the complement: ABCA3 is on the minus strand). VCF-style: chr16-2303979-A-T. GRCh37 (hg19) VCF-style: chr16-2353980-A-T.
Other names: short protein forms F486Y.
Identifiers: ClinVar variation 3767511 (VCV003767511.2).